The following is an entry in ClinVar:

ClinVar aggregate classification (germline): Uncertain significance (1 of 4 stars; one submission).

Submission:

Labcorp Genetics (formerly Invitae), Labcorp
Classification: Uncertain significance. Last evaluated: 2022-10-13. Review status: criteria provided, single submitter. Criteria: Invitae Variant Classification Sherloc (09022015). Collection method: clinical testing. Allele origin: germline.
Comment: In summary, the available evidence is currently insufficient to determine the role of this variant in disease. Therefore, it has been classified as a Variant of Uncertain Significance. This variant has not been reported in the literature in individuals affected with SLC12A6-related conditions. This variant results in a copy number gain of the genomic region encompassing exon(s) 1-2 of the SLC12A6 gene. This region includes the initiator codon of the gene. This copy number gain extends beyond the assayed region for this gene and therefore may encompass additional genes. As the precise location of this event is unknown, it may be in tandem or it may be located elsewhere in the genome.

NC_000015.9:g.(?_34567526)_(34635274_?)dup

Genes: NOP10 (NOP10 ribonucleoprotein; minus strand), SLC12A6 (solute carrier family 12 member 6; minus strand). Cytogenetic location: 15q14.
Variant type: Duplication.
Identifiers: ClinVar variation 2427224 (VCV002427224.4).